The following is an entry in ClinVar:

ClinVar aggregate classification (germline): Likely benign (1 of 4 stars; one submission).

gnomAD v4.1: 76 of 1,614,148 alleles (0.0047%); highest among the groups gnomAD compares: South Asian, 0.047%; no homozygotes.

Submission:

CeGaT Center for Human Genetics Tuebingen
Classification: Likely benign. Last evaluated: 2026-07-01. Review status: criteria provided, single submitter. Criteria: CeGaT Center For Human Genetics Tuebingen Variant Classification Criteria Version 2. Collection method: clinical testing. Allele origin: germline. Affected: yes. Observed: 1 variant allele.
Comment: UNC79: BP4, BP7

NM_001395159.1(UNC79):c.1689C>T (p.Thr563=)

Gene: UNC79 (unc-79 subunit of NALCN channel complex; plus strand). Cytogenetic location: 14q32.12.
Variant type: single nucleotide variant.
Coding change: c.1689C>T on transcript NM_001395159.1 (MANE Select); coding-DNA position 1689, C replaced by T.
Protein change: p.Thr563=; no amino-acid change (threonine 563 retained).
Molecular consequence: synonymous variant.
Genome position (GRCh38, 1-based): chr14:93,542,630, C>T. VCF-style: chr14-93542630-C-T. GRCh37 (hg19) VCF-style: chr14-94008976-C-T.
Other names: c.1689C>T, p.Thr563= (NM_001346218.2); c.1158C>T, p.Thr386= (NM_020818.5).
Identifiers: ClinVar variation 5039087 (VCV005039087.1).
Genomic context (GRCh38, chr14:93,542,630, plus strand): 5'-TGAAGTGGGAAGTCTGGTGGAAAAGCTGAAGCCTCAGTTTGTCACCAAATGGCTGAAGAC[C>T]GTATGTGATGTTCGCTTCGATGTCATGGTCATGTGCCTTCTTCCTAAACCCATGGAATTT-3'
Protein context (NP_001382088.1, residues 553-573): KPQFVTKWLK[Thr563=]VCDVRFDVMV